The following is an entry in ClinVar:

ClinVar aggregate classification (germline): Uncertain significance (1 of 4 stars; one submission).

Submission:

Labcorp Genetics (formerly Invitae), Labcorp
Classification: Uncertain significance. Last evaluated: 2024-03-04. Review status: criteria provided, single submitter. Criteria: Invitae Variant Classification Sherloc (09022015). Collection method: clinical testing. Allele origin: germline.
Comment: This sequence change replaces arginine, which is basic and polar, with serine, which is neutral and polar, at codon 5104 of the RNF213 protein (p.Arg5104Ser). This variant is not present in population databases (gnomAD no frequency). This variant has not been reported in the literature in individuals affected with RNF213-related conditions. Algorithms developed to predict the effect of missense changes on protein structure and function output the following: SIFT: "Not Available"; PolyPhen-2: "Benign"; Align-GVGD: "Not Available". The serine amino acid residue is found in multiple mammalian species, which suggests that this missense change does not adversely affect protein function. In summary, the available evidence is currently insufficient to determine the role of this variant in disease. Therefore, it has been classified as a Variant of Uncertain Significance.

NM_001256071.3(RNF213):c.15312G>T (p.Arg5104Ser)

Genes: RNF213 (ring finger protein 213; plus strand), RNF213-AS1 (RNF213 antisense RNA 1; minus strand). Cytogenetic location: 17q25.3.
Variant type: single nucleotide variant.
Coding change: c.15312G>T on transcript NM_001256071.3 (MANE Select); coding-DNA position 15312, G replaced by T.
Protein change: p.Arg5104Ser; replaces arginine 5104 with serine.
Molecular consequence: missense variant.
Genome position (GRCh38, 1-based): chr17:80,390,038, G>T. VCF-style: chr17-80390038-G-T. GRCh37 (hg19) VCF-style: chr17-78363838-G-T.
Other names: c.15459G>T, p.Arg5153Ser (NM_001410195.1, NM_020914.5); short protein forms R5153S, R5104S.
Identifiers: ClinVar variation 3671517 (VCV003671517.2).